The following is an entry in ClinVar:

NM_006231.4(POLE):c.5110C>T (p.Leu1704Phe)

Gene: POLE (DNA polymerase epsilon, catalytic subunit; minus strand). Cytogenetic location: 12q24.33.
Variant type: single nucleotide variant.
Coding change: c.5110C>T on transcript NM_006231.4 (MANE Select); coding-DNA position 5110, C replaced by T.
Protein change: p.Leu1704Phe; replaces leucine 1704 with phenylalanine.
Molecular consequence: missense variant.
Genome position (GRCh38, 1-based): chr12:132,642,240, G>A on the plus strand (C>T on the coding strand, the complement: POLE is on the minus strand). VCF-style: chr12-132642240-G-A. GRCh37 (hg19) VCF-style: chr12-133218826-G-A.
Other names: short protein forms L1704F.
Identifiers: ClinVar variation 3642215 (VCV003642215.2).

ClinVar aggregate classification (germline): Uncertain significance (1 of 4 stars; one submission).

Submission:

Labcorp Genetics (formerly Invitae), Labcorp
Classification: Uncertain significance. Last evaluated: 2025-05-28. Review status: criteria provided, single submitter. Criteria: Invitae Variant Classification Sherloc (09022015). Collection method: clinical testing. Allele origin: germline.
Comment: This sequence change replaces leucine, which is neutral and non-polar, with phenylalanine, which is neutral and non-polar, at codon 1704 of the POLE protein (p.Leu1704Phe). This variant is not present in population databases (gnomAD no frequency). This variant has not been reported in the literature in individuals affected with POLE-related conditions. ClinVar contains an entry for this variant (Variation ID: 3642215). An algorithm developed to predict the effect of missense changes on protein structure and function (PolyPhen-2) suggests that this variant is likely to be disruptive. In summary, the available evidence is currently insufficient to determine the role of this variant in disease. Therefore, it has been classified as a Variant of Uncertain Significance.